The following is an entry in ClinVar:

NM_003737.4(DCHS1):c.305G>A (p.Arg102His)

Gene: DCHS1 (dachsous cadherin-related 1; minus strand). Cytogenetic location: 11p15.4.
Variant type: single nucleotide variant.
Coding change: c.305G>A on transcript NM_003737.4 (MANE Select); coding-DNA position 305, G replaced by A.
Protein change: p.Arg102His; replaces arginine 102 with histidine.
Molecular consequence: missense variant.
Genome position (GRCh38, 1-based): chr11:6,641,309, C>T on the plus strand (G>A on the coding strand, the complement: DCHS1 is on the minus strand). VCF-style: chr11-6641309-C-T. GRCh37 (hg19) VCF-style: chr11-6662540-C-T.
Other names: c.305G>A (NM_003737.2); short protein forms R102H.
Identifiers: ClinVar variation 1327180 (VCV001327180.10), dbSNP rs147257039, ClinGen allele CA5861175.
Genomic context (GRCh38, chr11:6,641,309, plus strand): 5'-GGAGTGACTGCAGTGAAGCGGTAGCGGTCCCGCTGCTCACGGTCCAAGACACGGGCTGTA[C>T]GGACGACCCCACTGTGTTCGTCAATGGCCAGGTCTGTGCCCACGCCGCTGCCCTCTTGGG-3'
Protein context (NP_003728.1, residues 92-112): LAIDEHSGVV[Arg102His]TARVLDREQR

ClinVar aggregate classification (germline): Uncertain significance. Review status: criteria provided, multiple submitters, no conflicts (2 of 4 stars). 3 submissions from 3 submitters: Uncertain significance (3). Last evaluated 2025-05-19.

Conditions:
Inborn genetic diseases. Identifiers: MedGen C0950123, MeSH D030342.

Allele frequency attached by ClinVar (database versions not stated): gnomAD exomes 0.00002 and 0.00003; gnomAD 0.00003; TOPMed 0.00005; ExAC 0.00006; ESP Exome Variant Server 0.00008; 1000 Genomes Project 30x 0.00016; 1000 Genomes Project 0.00020.
gnomAD v4.1: 39 of 1,613,660 alleles (0.0024%); highest among the groups gnomAD compares: Admixed American, 0.005%; no homozygotes.

Submissions (3):

Ambry Genetics
Classification: Uncertain significance for Inborn genetic diseases. Last evaluated: 2025-05-19. Review status: criteria provided, single submitter. Criteria: Ambry Variant Classification Scheme 2023. Collection method: clinical testing. Allele origin: germline.

Labcorp Genetics (formerly Invitae), Labcorp
Classification: Uncertain significance. Last evaluated: 2024-12-08. Review status: criteria provided, single submitter. Criteria: Invitae Variant Classification Sherloc (09022015). Collection method: clinical testing. Allele origin: germline.
Comment: This sequence change replaces arginine, which is basic and polar, with histidine, which is basic and polar, at codon 102 of the DCHS1 protein (p.Arg102His). This variant is present in population databases (rs147257039, gnomAD 0.01%). This variant has not been reported in the literature in individuals affected with DCHS1-related conditions. ClinVar contains an entry for this variant (Variation ID: 1327180). Invitae Evidence Modeling of protein sequence and biophysical properties (such as structural, functional, and spatial information, amino acid conservation, physicochemical variation, residue mobility, and thermodynamic stability) indicates that this missense variant is not expected to disrupt DCHS1 protein function with a negative predictive value of 80%. In summary, the available evidence is currently insufficient to determine the role of this variant in disease. Therefore, it has been classified as a Variant of Uncertain Significance.

GeneDx
Classification: Uncertain significance. Last evaluated: 2021-11-29. Review status: criteria provided, single submitter. Criteria: GeneDx Variant Classification Process June 2021. Collection method: clinical testing. Allele origin: germline. Affected: yes.
Comment: Has not been previously published as pathogenic or benign to our knowledge; In silico analysis supports that this missense variant has a deleterious effect on protein structure/function